The following is an entry in ClinVar:

NM_003072.5(SMARCA4):c.2627A>G (p.Lys876Arg)

Gene: SMARCA4 (SWI/SNF related BAF chromatin remodeling complex subunit ATPase 4; plus strand). Cytogenetic location: 19p13.2.
Variant type: single nucleotide variant.
Coding change: c.2627A>G on transcript NM_003072.5 (MANE Select); coding-DNA position 2627, A replaced by G.
Protein change: p.Lys876Arg; replaces lysine 876 with arginine.
Molecular consequence: missense variant. On other transcripts: non-coding transcript variant (1).
Genome position (GRCh38, 1-based): chr19:11,021,735, A>G. VCF-style: chr19-11021735-A-G. GRCh37 (hg19) VCF-style: chr19-11132411-A-G.
Other names: c.2627A>G, p.Lys876Arg (NM_001128844.3, NM_001128845.2, NM_001128846.2 and 4 more transcripts); short protein forms K876R.
Identifiers: ClinVar variation 821560 (VCV000821560.9), dbSNP rs1600277756, ClinGen allele CA404055556.

ClinVar aggregate classification (germline): Uncertain significance. Review status: criteria provided, multiple submitters, no conflicts (2 of 4 stars). 2 submissions from 2 submitters: Uncertain significance (2). Last evaluated 2021-12-24.

Conditions:
Hereditary cancer-predisposing syndrome. Also called: Tumor predisposition; Hereditary Cancer Syndrome; Neoplastic Syndromes, Hereditary; Hereditary neoplastic syndrome. Identifiers: Orphanet 140162, MedGen C0027672, MeSH D009386, MONDO:0015356.
Rhabdoid tumor predisposition syndrome 2 (RTPS2). Identifiers: Orphanet 231108, Orphanet 69077, MedGen C2750074, MONDO:0013224, OMIM 613325.

Allele frequency attached by ClinVar (database versions not stated): gnomAD exomes 0.00001.
gnomAD v4.1: 5 of 1,612,104 alleles (0.00031%); highest among the groups gnomAD compares: Non-Finnish European, 0.00042%; no homozygotes.

Submissions (2):

Labcorp Genetics (formerly Invitae), Labcorp
Classification: Uncertain significance for Rhabdoid tumor predisposition syndrome 2. Last evaluated: 2021-12-24. Review status: criteria provided, single submitter. Criteria: Invitae Variant Classification Sherloc (09022015). Collection method: clinical testing. Allele origin: germline.
Comment: Algorithms developed to predict the effect of sequence changes on RNA splicing suggest that this variant may create or strengthen a splice site. This sequence change replaces lysine, which is basic and polar, with arginine, which is basic and polar, at codon 876 of the SMARCA4 protein (p.Lys876Arg). This variant is not present in population databases (gnomAD no frequency). This variant has not been reported in the literature in individuals affected with SMARCA4-related conditions. ClinVar contains an entry for this variant (Variation ID: 821560). Algorithms developed to predict the effect of missense changes on protein structure and function (SIFT, PolyPhen-2, Align-GVGD) all suggest that this variant is likely to be disruptive. In summary, the available evidence is currently insufficient to determine the role of this variant in disease. Therefore, it has been classified as a Variant of Uncertain Significance.

Ambry Genetics
Classification: Uncertain significance for Hereditary cancer-predisposing syndrome. Last evaluated: 2017-12-19. Review status: criteria provided, single submitter. Criteria: Ambry Variant Classification Scheme 2023. Collection method: clinical testing. Allele origin: germline.
Comment: The p.K876R variant (also known as c.2627A>G), located in coding exon 18 of the SMARCA4 gene, results from an A to G substitution at nucleotide position 2627. The lysine at codon 876 is replaced by arginine, an amino acid with highly similar properties. This amino acid position is highly conserved in available vertebrate species. In addition, this alteration is predicted to be deleterious by in silico analysis. Since supporting evidence is limited at this time, the clinical significance of this alteration remains unclear.